The following is an entry in ClinVar:

ClinVar aggregate classification (germline): Likely pathogenic (1 of 4 stars; one submission).

Submission:

Labcorp Genetics (formerly Invitae), Labcorp
Classification: Likely pathogenic. Last evaluated: 2025-12-17. Review status: criteria provided, single submitter. Criteria: Invitae Variant Classification Sherloc (09022015). Collection method: clinical testing. Allele origin: germline.
Comment: This sequence change affects a donor splice site in intron 11 of the LBR gene. It is expected to disrupt RNA splicing. Variants that disrupt the donor or acceptor splice site typically lead to a loss of protein function (PMID: 16199547), and loss-of-function variants in LBR are known to be pathogenic (PMID: 12118250, 12618959, 21327084, 23824842, 25348816, 30448303). This variant is not present in population databases (gnomAD no frequency). This variant has not been reported in the literature in individuals affected with LBR-related conditions. Algorithms developed to predict the effect of sequence changes on RNA splicing suggest that this variant may disrupt the consensus splice site. In summary, the currently available evidence indicates that the variant is pathogenic, but additional data are needed to prove that conclusively. Therefore, this variant has been classified as Likely Pathogenic.

Literature cited by the submitters: PubMed 16199547; PubMed 12118250; PubMed 12618959; PubMed 21327084; PubMed 23824842; PubMed 25348816; PubMed 30448303.

NM_002296.4(LBR):c.1483+2T>A

Gene: LBR (lamin B receptor; minus strand). Cytogenetic location: 1q42.12.
Variant type: single nucleotide variant.
Coding change: c.1483+2T>A on transcript NM_002296.4 (MANE Select); the canonical splice donor site of the intron after coding-DNA position 1483, T replaced by A.
Molecular consequence: splice donor variant.
Genome position (GRCh38, 1-based): chr1:225,406,662, A>T on the plus strand (T>A on the coding strand, the complement: LBR is on the minus strand). VCF-style: chr1-225406662-A-T. GRCh37 (hg19) VCF-style: chr1-225594364-A-T.
Other names: c.1483+2T>A (NM_194442.3).
Identifiers: ClinVar variation 4721476 (VCV004721476.1).